The following is an entry in ClinVar:

NM_003921.5(BCL10):c.338A>T (p.His113Leu)

Gene: BCL10 (BCL10 immune signaling adaptor; minus strand). Cytogenetic location: 1p22.3.
Variant type: single nucleotide variant.
Coding change: c.338A>T on transcript NM_003921.5 (MANE Select); coding-DNA position 338, A replaced by T.
Protein change: p.His113Leu; replaces histidine 113 with leucine.
Molecular consequence: missense variant.
Genome position (GRCh38, 1-based): chr1:85,270,626, T>A on the plus strand (A>T on the coding strand, the complement: BCL10 is on the minus strand). VCF-style: chr1-85270626-T-A. GRCh37 (hg19) VCF-style: chr1-85736309-T-A.
Other names: c.338A>T, p.His113Leu (NM_001320715.2, LRG_1210t1); short protein forms H113L.
Identifiers: ClinVar variation 475272 (VCV000475272.9), dbSNP rs775016059, ClinGen allele CA929778.

ClinVar aggregate classification (germline): Uncertain significance (1 of 4 stars; one submission).

Conditions:
Immunodeficiency 37 (IMD37). Identifiers: MedGen C4015195, MONDO:0014491, OMIM 616098.

Allele frequency attached by ClinVar (database versions not stated): gnomAD exomes 0.00001 and 0.00003; TOPMed 0.00001; ExAC 0.00001; gnomAD 0.00001.

Submission:

Labcorp Genetics (formerly Invitae), Labcorp
Classification: Uncertain significance for Immunodeficiency 37. Last evaluated: 2024-02-17. Review status: criteria provided, single submitter. Criteria: Invitae Variant Classification Sherloc (09022015). Collection method: clinical testing. Allele origin: germline.
Comment: This sequence change replaces histidine, which is basic and polar, with leucine, which is neutral and non-polar, at codon 113 of the BCL10 protein (p.His113Leu). This variant is present in population databases (rs775016059, gnomAD 0.03%). This variant has not been reported in the literature in individuals affected with BCL10-related conditions. ClinVar contains an entry for this variant (Variation ID: 475272). An algorithm developed to predict the effect of missense changes on protein structure and function (PolyPhen-2) suggests that this variant is likely to be tolerated. In summary, the available evidence is currently insufficient to determine the role of this variant in disease. Therefore, it has been classified as a Variant of Uncertain Significance.